The following is an entry in ClinVar:

ClinVar aggregate classification (germline): Uncertain significance. Review status: criteria provided, multiple submitters, no conflicts (2 of 4 stars). 4 submissions from 4 submitters: Uncertain significance (4). Last evaluated 2026-02-06.

Conditions:
Fucosidosis. Also called: ALPHA-L-FUCOSIDASE DEFICIENCY. Identifiers: Orphanet 349, MedGen C0016788, MONDO:0009254, OMIM 230000.
Inborn genetic diseases. Identifiers: MedGen C0950123, MeSH D030342.

Allele frequency attached by ClinVar (database versions not stated): gnomAD 0.00001.
gnomAD v4.1: 40 of 1,614,090 alleles (0.0025%); highest among the groups gnomAD compares: Non-Finnish European, 0.0033%; no homozygotes.

Submissions (4):

GeneDx
Classification: Uncertain significance. Last evaluated: 2026-02-06. Review status: criteria provided, single submitter. Criteria: GeneDx Variant Classification Process June 2021. Collection method: clinical testing. Allele origin: germline.
Comment: Not observed at significant frequency in large population cohorts (gnomAD); In silico analysis supports that this missense variant has a deleterious effect on protein structure/function; Has not been previously published as pathogenic or benign to our knowledge

Ambry Genetics
Classification: Uncertain significance for Inborn genetic diseases. Last evaluated: 2025-12-09. Review status: criteria provided, single submitter. Criteria: Ambry Variant Classification Scheme 2023. Collection method: clinical testing. Allele origin: germline.

Mayo Clinic Laboratories, Mayo Clinic
Classification: Uncertain significance. Last evaluated: 2025-05-12. Review status: criteria provided, single submitter. Criteria: ACMG Guidelines, 2015. Collection method: clinical testing. Allele origin: germline. Observed: 1 variant allele.
Comment: PP3, PM2_supporting

Labcorp Genetics (formerly Invitae), Labcorp
Classification: Uncertain significance for Fucosidosis. Last evaluated: 2022-04-25. Review status: criteria provided, single submitter. Criteria: Invitae Variant Classification Sherloc (09022015). Collection method: clinical testing. Allele origin: germline.
Comment: This sequence change replaces tryptophan, which is neutral and slightly polar, with leucine, which is neutral and non-polar, at codon 361 of the FUCA1 protein (p.Trp361Leu). This variant is present in population databases (no rsID available, gnomAD 0.002%). This variant has not been reported in the literature in individuals affected with FUCA1-related conditions. Algorithms developed to predict the effect of missense changes on protein structure and function are either unavailable or do not agree on the potential impact of this missense change (SIFT: "Tolerated"; PolyPhen-2: "Possibly Damaging"; Align-GVGD: "Class C0"). In summary, the available evidence is currently insufficient to determine the role of this variant in disease. Therefore, it has been classified as a Variant of Uncertain Significance.

NM_000147.5(FUCA1):c.1082G>T (p.Trp361Leu)

Gene: FUCA1 (alpha-L-fucosidase 1; minus strand). Cytogenetic location: 1p36.11.
Variant type: single nucleotide variant.
Coding change: c.1082G>T on transcript NM_000147.5 (MANE Select); coding-DNA position 1082, G replaced by T.
Protein change: p.Trp361Leu; replaces tryptophan 361 with leucine.
Molecular consequence: missense variant. On other transcripts: non-coding transcript variant (4).
Genome position (GRCh38, 1-based): chr1:23,848,727, C>A on the plus strand (G>T on the coding strand, the complement: FUCA1 is on the minus strand). VCF-style: chr1-23848727-C-A. GRCh37 (hg19) VCF-style: chr1-24175217-C-A.
Other names: p.Trp361Leu; c.1082G>T (NM_000147.4); short protein forms W361L.
Identifiers: ClinVar variation 2185537 (VCV002185537.3), dbSNP rs864309551, ClinGen allele CA19322738.